The following is an entry in ClinVar:

NM_001148.6(ANK2):c.187-8TC[2]

Gene: ANK2 (ankyrin 2; plus strand). Cytogenetic location: 4q25.
Variant type: Microsatellite.
Coding change: c.187-8TC[2] on transcript NM_001148.6 (MANE Select); two copies in a row of the 2-base unit TC starting at c.187-8; the reference has three copies in a row; one copy, 2 bases deleted.
Molecular consequence: intron variant.
Genome position (GRCh38, 1-based): chr4:113,196,364-113,196,365, TC deleted; deleting any 2 consecutive bases within chr4:113,196,360-113,196,365 gives the same sequence; the position shown is the placement nearest the transcript's 3' end. VCF-style (leftmost placement, unchanged base first): chr4-113196359-TTC-T. GRCh37 (hg19) VCF-style: chr4-114117515-TTC-T.
Other names: c.175-8TC[2] (NM_001386186.2, NM_001386148.2, NM_001354269.3 and 1 more transcripts); c.169-8TC[2] (NM_001386147.1, NM_001386160.1, NM_001354261.2); c.124-8TC[2] (NM_001354254.2, NM_001354239.2, NM_001354252.2 and 33 more transcripts); c.232-8TC[2] (NM_001354241.2, NM_001386152.1, NM_001354237.2 and 5 more transcripts); c.187-8TC[2] (NM_001354225.2, NM_001354235.2, NM_001354246.2 and 9 more transcripts); c.238-8TC[2] (NM_001386174.1, NM_001386175.1); c.187-4_187-3delTC (NM_001148.4).
Identifiers: ClinVar variation 406484 (VCV000406484.11), dbSNP rs1060501160, ClinGen allele CA16611563.

ClinVar aggregate classification (germline): Conflicting classifications of pathogenicity. Review status: criteria provided, conflicting classifications (1 of 4 stars). 2 submissions from 2 submitters: Uncertain significance (1); Likely benign (1). Last evaluated 2022-04-13.

Conditions:
Cardiovascular phenotype. Identifiers: MedGen CN230736.
Long QT syndrome (LQTS). Identifiers: MedGen C0023976, MeSH D008133, MONDO:0002442. Disease mechanism: loss of function. Inheritance: Various modes of inheritance.

Submissions (2):

Ambry Genetics
Classification: Uncertain significance for Cardiovascular phenotype. Last evaluated: 2022-04-13. Review status: criteria provided, single submitter. Criteria: Ambry Variant Classification Scheme 2023. Collection method: clinical testing. Allele origin: germline.
Comment: The c.187-4_187-3delTC intronic variant, located in intron 2 of the ANK2 gene, results from a deletion of two nucleotides within intron 2 of the ANK2 gene. This nucleotide region is poorly conserved in available vertebrate species. In silico splice site analysis predicts that this alteration will not have any significant effect on splicing. Since supporting evidence is limited at this time, the clinical significance of this alteration remains unclear.

Labcorp Genetics (formerly Invitae), Labcorp
Classification: Likely benign for Long QT syndrome. Last evaluated: 2022-03-18. Review status: criteria provided, single submitter. Criteria: Invitae Variant Classification Sherloc (09022015). Collection method: clinical testing. Allele origin: germline.